The following is an entry in ClinVar:

ClinVar aggregate classification (germline): Uncertain significance (1 of 4 stars; one submission).

Submission:

GeneDx
Classification: Uncertain significance. Last evaluated: 2024-12-18. Review status: criteria provided, single submitter. Criteria: GeneDx Variant Classification Process June 2021. Collection method: clinical testing. Allele origin: germline. Affected: yes.
Comment: Not observed at significant frequency in large population cohorts (gnomAD); Missense variant in a gene in which most reported pathogenic variants are truncating/loss of function; Has not been previously published as pathogenic or benign to our knowledge; Located in the A-band region of TTN in which the majority of loss of function variants have been associated with autosomal dominant titinopathies (PMID: 22335739); This variant is associated with the following publications: (PMID: 23975875)

NM_001267550.2(TTN):c.57544G>A (p.Asp19182Asn)

Genes: TTN (titin; minus strand), TTN-AS1 (TTN antisense RNA 1; plus strand). Cytogenetic location: 2q31.2.
Variant type: single nucleotide variant.
Coding change: c.57544G>A on transcript NM_001267550.2 (MANE Select); coding-DNA position 57544, G replaced by A.
Protein change: p.Asp19182Asn; replaces aspartic acid 19182 with asparagine.
Molecular consequence: missense variant.
Genome position (GRCh38, 1-based): chr2:178,597,538, C>T on the plus strand (G>A on the coding strand, the complement: TTN is on the minus strand). VCF-style: chr2-178597538-C-T. GRCh37 (hg19) VCF-style: chr2-179462265-C-T.
Other names: c.52621G>A, p.Asp17541Asn (NM_001256850.1); c.30349G>A, p.Asp10117Asn (NM_003319.4); c.49840G>A, p.Asp16614Asn (NM_133378.4); c.30724G>A, p.Asp10242Asn (NM_133432.3); c.30925G>A, p.Asp10309Asn (NM_133437.4); short protein forms D10117N, D10242N, D10309N, D16614N, D17541N, D19182N.
Identifiers: ClinVar variation 3378242 (VCV003378242.2).